The following is an entry in ClinVar:

NM_000268.4(NF2):c.191T>C (p.Leu64Pro)

Gene: NF2 (NF2, moesin-ezrin-radixin like (MERLIN) tumor suppressor; plus strand). Cytogenetic location: 22q12.2.
Variant type: single nucleotide variant.
Coding change: c.191T>C on transcript NM_000268.4 (MANE Select); coding-DNA position 191, T replaced by C.
Protein change: p.Leu64Pro; replaces leucine 64 with proline.
Molecular consequence: missense variant. On other transcripts: non-coding transcript variant (1), intron variant (3).
Genome position (GRCh38, 1-based): chr22:29,636,827, T>C. VCF-style: chr22-29636827-T-C. GRCh37 (hg19) VCF-style: chr22-30032816-T-C.
Other names: c.191T>C (NM_000268.3); c.191T>C, p.Leu64Pro (NM_016418.5, NM_181825.3, NM_181829.3 and 2 more transcripts); c.115-2263T>C (NM_181828.3); c.115-5375T>C (NM_181830.3, NM_181831.3); short protein forms L64P.
Identifiers: ClinVar variation 1006297 (VCV001006297.10), dbSNP rs2065661430, ClinGen allele CA411152573.

ClinVar aggregate classification (germline): Likely pathogenic. Review status: criteria provided, multiple submitters, no conflicts (2 of 4 stars). 2 submissions from 2 submitters: Likely pathogenic (2). Last evaluated 2025-01-31.

Conditions:
Neurofibromatosis, type 2 (SWNV). Also called: BILATERAL ACOUSTIC NEUROFIBROMATOSIS; SCHWANNOMATOSIS, VESTIBULAR; NF2-Related Schwannomatosis. Identifiers: Orphanet 637, MedGen C0027832, MONDO:0007039, OMIM 101000. Disease mechanism: loss of function.

Submissions (2):

Molecular Pathology, Peter Maccallum Cancer Centre
Classification: Likely pathogenic for Neurofibromatosis, type 2. Last evaluated: 2025-01-31. Review status: criteria provided, single submitter. Criteria: ACMG Guidelines, 2015. Collection method: clinical testing. Allele origin: germline. Inheritance: Autosomal dominant inheritance.

Labcorp Genetics (formerly Invitae), Labcorp
Classification: Likely pathogenic for Neurofibromatosis, type 2. Last evaluated: 2025-01-16. Review status: criteria provided, single submitter. Criteria: Invitae Variant Classification Sherloc (09022015). Collection method: clinical testing. Allele origin: germline.
Comment: This sequence change replaces leucine, which is neutral and non-polar, with proline, which is neutral and non-polar, at codon 64 of the NF2 protein (p.Leu64Pro). This variant is not present in population databases (gnomAD no frequency). This missense change has been observed in individuals with neurofibromatosis type 2 (PMID: 25931164; external communication). ClinVar contains an entry for this variant (Variation ID: 1006297). Invitae Evidence Modeling of protein sequence and biophysical properties (such as structural, functional, and spatial information, amino acid conservation, physicochemical variation, residue mobility, and thermodynamic stability) indicates that this missense variant is expected to disrupt NF2 protein function with a positive predictive value of 80%. Experimental studies have shown that this missense change affects NF2 function (PMID: 9931334, 11809806, 12695331, 15598747, 19451225, 24595234). In summary, the currently available evidence indicates that the variant is pathogenic, but additional data are needed to prove that conclusively. Therefore, this variant has been classified as Likely Pathogenic.

Literature cited by the submitters: PubMed 25931164 (cited by Labcorp Genetics (formerly Invitae), Labcorp); PubMed 9931334 (cited by Labcorp Genetics (formerly Invitae), Labcorp); PubMed 11809806 (cited by Labcorp Genetics (formerly Invitae), Labcorp); PubMed 12695331 (cited by Labcorp Genetics (formerly Invitae), Labcorp); PubMed 15598747 (cited by Labcorp Genetics (formerly Invitae), Labcorp); PubMed 19451225 (cited by Labcorp Genetics (formerly Invitae), Labcorp); PubMed 24595234 (cited by Labcorp Genetics (formerly Invitae), Labcorp).